The following is an entry in ClinVar:

ClinVar aggregate classification (germline): Likely benign. Review status: criteria provided, multiple submitters, no conflicts (2 of 4 stars). 2 submissions from 2 submitters: Likely benign (2). Last evaluated 2026-01-22.

Allele frequency attached by ClinVar (database versions not stated): gnomAD exomes 0.00001 and 0.00004; ExAC 0.00007; ESP Exome Variant Server 0.00008; 1000 Genomes Project 30x 0.00016; 1000 Genomes Project 0.00020; TOPMed 0.00020; gnomAD 0.00022.
gnomAD v4.1: 46 of 1,611,390 alleles (0.0029%); highest among the groups gnomAD compares: African/African-American, 0.043%; no homozygotes.

Submissions (2):

Labcorp Genetics (formerly Invitae), Labcorp
Classification: Likely benign. Last evaluated: 2026-01-22. Review status: criteria provided, single submitter. Criteria: Invitae Variant Classification Sherloc (09022015). Collection method: clinical testing. Allele origin: germline.

CeGaT Center for Human Genetics Tuebingen
Classification: Likely benign. Last evaluated: 2025-01-01. Review status: criteria provided, single submitter. Criteria: CeGaT Center For Human Genetics Tuebingen Variant Classification Criteria Version 2. Collection method: clinical testing. Allele origin: germline. Affected: yes. Observed: 1 variant allele.
Comment: SPEG: BP4, BP7

NM_005876.5(SPEG):c.6987G>A (p.Ser2329=)

Genes: ASIC4-AS1 (ASIC4 antisense RNA 1; minus strand), SPEG (striated muscle enriched protein kinase; plus strand). Cytogenetic location: 2q35.
Variant type: single nucleotide variant.
Coding change: c.6987G>A on transcript NM_005876.5 (MANE Select); coding-DNA position 6987, G replaced by A.
Protein change: p.Ser2329=; no amino-acid change (serine 2329 retained).
Molecular consequence: synonymous variant.
Genome position (GRCh38, 1-based): chr2:219,484,450, G>A. VCF-style: chr2-219484450-G-A. GRCh37 (hg19) VCF-style: chr2-220349172-G-A.
Identifiers: ClinVar variation 725800 (VCV000725800.22), dbSNP rs368733695, ClinGen allele CA2127158.
Genomic context (GRCh38, chr2:219,484,450, plus strand): 5'-TCCCACGGTGCCCCCCAGGCCAGGCAGCAGTCTCAGTAGCAGCATCGAAAACTTGGAGTC[G>A]GAGGCCGTGTTCGAGGCCAAGTTCAAGCGCAGCCGCGAGTCGCCCCTGTCGCTGGGGCTG-3'
Protein context (NP_005867.3, residues 2319-2339): SLSSSIENLE[Ser2329=]EAVFEAKFKR